The following is an entry in ClinVar:

NM_001110556.2(FLNA):c.730C>T (p.Pro244Ser)

Gene: FLNA (filamin A; minus strand). Cytogenetic location: Xq28.
Variant type: single nucleotide variant.
Coding change: c.730C>T on transcript NM_001110556.2 (MANE Select); coding-DNA position 730, C replaced by T.
Protein change: p.Pro244Ser; replaces proline 244 with serine.
Molecular consequence: missense variant.
Genome position (GRCh38, 1-based): chrX:154,367,535, G>A on the plus strand (C>T on the coding strand, the complement: FLNA is on the minus strand). VCF-style: chrX-154367535-G-A. GRCh37 (hg19) VCF-style: chrX-153595903-G-A.
Other names: c.730C>T, p.Pro244Ser (NM_001456.4); short protein forms P244S.
Identifiers: ClinVar variation 3367767 (VCV003367767.1).

ClinVar aggregate classification (germline): Uncertain significance (1 of 4 stars; one submission).

Submission:

GeneDx
Classification: Uncertain significance. Last evaluated: 2024-01-11. Review status: criteria provided, single submitter. Criteria: GeneDx Variant Classification Process June 2021. Collection method: clinical testing. Allele origin: germline. Affected: yes.
Comment: Not observed at significant frequency in large population cohorts (gnomAD); In silico analysis supports that this missense variant has a deleterious effect on protein structure/function; Has not been previously published as pathogenic or benign to our knowledge